The following is an entry in ClinVar:

ClinVar aggregate classification (germline): Benign. Review status: criteria provided, multiple submitters, no conflicts (2 of 4 stars). 2 submissions from 2 submitters: Benign (2). Last evaluated 2018-06-16.

Allele frequency attached by ClinVar (database versions not stated): gnomAD 0.05872 and 0.06271; 1000 Genomes Project 0.06543; TOPMed 0.06807; 1000 Genomes Project 30x 0.06826.
gnomAD v4.1: 6,499 of 111,864 alleles (5.8%); highest among the groups gnomAD compares: African/African-American, 20%; 478 homozygotes.

Submissions (2):

GeneDx
Classification: Benign. Last evaluated: 2018-06-16. Review status: criteria provided, single submitter. Criteria: GeneDx Variant Classification (06012015). Collection method: clinical testing. Allele origin: germline. Affected: yes.
Comment: This variant is considered likely benign or benign based on one or more of the following criteria: it is a conservative change, it occurs at a poorly conserved position in the protein, it is predicted to be benign by multiple in silico algorithms, and/or has population frequency not consistent with disease.

Breakthrough Genomics
Classification: Benign. Review status: criteria provided, single submitter. Criteria: ACMG Guidelines, 2015. Collection method: not provided. Allele origin: germline. Inheritance: X-linked inheritance. Affected: yes.

NM_002764.4(PRPS1):c.865-234C>T

Gene: PRPS1 (phosphoribosyl pyrophosphate synthetase 1; plus strand). Cytogenetic location: Xq22.3.
Variant type: single nucleotide variant.
Coding change: c.865-234C>T on transcript NM_002764.4 (MANE Select); 234 bases into the intron before coding-DNA position 865, C replaced by T.
Molecular consequence: intron variant.
Genome position (GRCh38, 1-based): chrX:107,649,706, C>T. VCF-style: chrX-107649706-C-T. GRCh37 (hg19) VCF-style: chrX-106892936-C-T.
Other names: c.253-234C>T (NM_001204402.2).
Identifiers: ClinVar variation 673065 (VCV000673065.2), dbSNP rs140185431, ClinGen allele CA333061258.